The following is an entry in ClinVar:

NM_004006.3(DMD):c.93+5590T>A

Gene: DMD (dystrophin; minus strand). Cytogenetic location: Xp21.1.
Variant type: single nucleotide variant.
Coding change: c.93+5590T>A on transcript NM_004006.3 (MANE Select); 5590 bases into the intron after coding-DNA position 93, T replaced by A.
Molecular consequence: intron variant.
Genome position (GRCh38, 1-based): chrX:33,014,549, A>T on the plus strand (T>A on the coding strand, the complement: DMD is on the minus strand). VCF-style: chrX-33014549-A-T. GRCh37 (hg19) VCF-style: chrX-33032666-A-T.
Other names: IVS2, T-A, +5591; c.69+5590T>A (NM_000109.4); c.81+5590T>A (NM_004009.3); c.-277+5590T>A (NM_004010.3).
Identifiers: ClinVar variation 496935 (VCV000496935.7), dbSNP rs1557211730, ClinGen allele CA658799705.

ClinVar aggregate classification (germline): Conflicting classifications of pathogenicity. Review status: criteria provided, conflicting classifications (1 of 4 stars). 3 submissions from 3 submitters: Likely pathogenic (1); Uncertain significance (1). 1 of the submissions does not count toward it. Last evaluated 2024-11-13.

Conditions:
Becker muscular dystrophy, atypical. Identifiers: MedGen C4016475.
Becker muscular dystrophy (BMD). Also called: MUSCULAR DYSTROPHY, PSEUDOHYPERTROPHIC PROGRESSIVE, BECKER TYPE; Becker Muscular Dystrophy (BMD). Identifiers: Orphanet 98895, MedGen C0917713, MONDO:0010311, OMIM 300376.

Submissions (3):

Genetics Department, Hospital De La Santa Creu I Sant Pau
Classification: Likely pathogenic for Becker muscular dystrophy. Last evaluated: 2024-11-13. Review status: criteria provided, single submitter. Criteria: ACMG Guidelines, 2015. Collection method: research, in vivo. Allele origin: unknown. Affected: yes. Functional consequence: splicing_variant.
Comment: Criteria applied: PM2, PS3 (Richards et al, 2015)

Eurofins Ntd Llc (ga)
Classification: Uncertain significance. Last evaluated: 2017-06-19. Review status: criteria provided, single submitter. Criteria: EGL Classification Definitions 2015. Collection method: clinical testing. Allele origin: germline. Observed: 1 variant allele, 1 hemizygote.

OMIM
Classification: Pathogenic for BECKER MUSCULAR DYSTROPHY, ATYPICAL. Last evaluated: 2003-02-01. Review status: no assertion criteria provided. Collection method: literature only. Allele origin: germline. Not counted in ClinVar's aggregate classification.

Literature cited by the submitters: PubMed 12522557 (cited by OMIM).